The following is an entry in ClinVar:

ClinVar aggregate classification (germline): Conflicting classifications of pathogenicity. Review status: criteria provided, conflicting classifications (1 of 4 stars). 3 submissions from 3 submitters: Likely pathogenic (2); Uncertain significance (1). Last evaluated 2026-09-11.

Conditions:
Hereditary cancer-predisposing syndrome. Also called: Neoplastic Syndromes, Hereditary; Hereditary Cancer Syndrome; Hereditary neoplastic syndrome; Tumor predisposition. Identifiers: Orphanet 140162, MedGen C0027672, MeSH D009386, MONDO:0015356.
Familial cancer of breast. Also called: hereditary breast carcinoma; BREAST CANCER, FAMILIAL; Hereditary breast cancer. Identifiers: Orphanet 227535, MedGen C0346153, MONDO:0016419, OMIM 114480. Disease mechanism: loss of function.

Submissions (3):

Ambry Genetics
Classification: Likely pathogenic for Hereditary cancer-predisposing syndrome. Last evaluated: 2026-09-11. Review status: criteria provided, single submitter. Criteria: Ambry Variant Classification Scheme 2023. Collection method: clinical testing. Allele origin: germline.
Comment: The c.1095G>T variant (also known as p.K365N), located in coding exon 9 of the CHEK2 gene, results from a G to T substitution at nucleotide position 1095. The amino acid change results in lysine to asparagine at codon 365, an amino acid with similar properties. However, this change occurs in the last base pair of coding exon 9, which makes it likely to have some effect on normal mRNA splicing. This variant is considered to be rare based on population cohorts in the Genome Aggregation Database (gnomAD). This nucleotide position is highly conserved in available vertebrate species. This amino acid position is highly conserved in available vertebrate species. In silico splice site analysis predicts that this alteration may weaken the native splice donor site. RNA studies have demonstrated that this variant results in abnormal splicing in the set of samples tested (Ambry internal data). In addition, as a missense substitution, the in silico prediction for this alteration is inconclusive. Based on the majority of available evidence to date, this variant is likely to be pathogenic.

Myriad Genetics, Inc.
Classification: Likely pathogenic for Familial cancer of breast. Last evaluated: 2026-06-09. Review status: criteria provided, single submitter. Criteria: Myriad Autosomal Dominant, Autosomal Recessive and X-Linked Classification Criteria (2023). Collection method: clinical testing. Allele origin: unknown.
Comment: This variant is considered likely pathogenic. mRNA analysis has demonstrated abnormal mRNA splicing occurs [PMID: 30344923; Myriad internal data].

Labcorp Genetics (formerly Invitae), Labcorp
Classification: Uncertain significance for Familial cancer of breast. Last evaluated: 2023-05-10. Review status: criteria provided, single submitter. Criteria: Invitae Variant Classification Sherloc (09022015). Collection method: clinical testing. Allele origin: germline.
Comment: In summary, the available evidence is currently insufficient to determine the role of this variant in disease. Therefore, it has been classified as a Variant of Uncertain Significance. Variants that disrupt the consensus splice site are a relatively common cause of aberrant splicing (PMID: 17576681, 9536098). Studies have shown this missense change is associated with skipping of exon 10, but one or more of the resulting mRNA isoform(s) may be naturally occurring (PMID: 30344923; Invitae). An algorithm developed to predict the effect of missense changes on protein structure and function (PolyPhen-2) suggests that this variant is likely to be disruptive. ClinVar contains an entry for this variant (Variation ID: 647019). This missense change has been observed in individual(s) with Wilms tumor (PMID: 30344923). This variant is not present in population databases (gnomAD no frequency). This sequence change replaces lysine, which is basic and polar, with asparagine, which is neutral and polar, at codon 365 of the CHEK2 protein (p.Lys365Asn). RNA analysis indicates that this missense change induces altered splicing and likely results in a shortened protein product.

Literature cited by the submitters: PubMed 30344923 (cited by Myriad Genetics, Inc. and Labcorp Genetics (formerly Invitae), Labcorp); PubMed 17576681 (cited by Labcorp Genetics (formerly Invitae), Labcorp); PubMed 9536098 (cited by Labcorp Genetics (formerly Invitae), Labcorp).

NM_007194.4(CHEK2):c.1095G>T (p.Lys365Asn)

Gene: CHEK2 (checkpoint kinase 2; minus strand). Cytogenetic location: 22q12.1.
Variant type: single nucleotide variant.
Coding change: c.1095G>T on transcript NM_007194.4 (MANE Select); coding-DNA position 1095, G replaced by T.
Protein change: p.Lys365Asn; replaces lysine 365 with asparagine.
Molecular consequence: missense variant. On other transcripts: intron variant (3).
Genome position (GRCh38, 1-based): chr22:28,696,901, C>A on the plus strand (G>T on the coding strand, the complement: CHEK2 is on the minus strand). VCF-style: chr22-28696901-C-A. GRCh37 (hg19) VCF-style: chr22-29092889-C-A.
Other names: c.1224G>T, p.Lys408Asn (NM_001005735.3); c.432G>T, p.Lys144Asn (NM_001257387.3, NM_001437942.1); c.894G>T, p.Lys298Asn (NM_001349956.3); c.1188G>T, p.Lys396Asn (NM_001438293.1); c.1009-1028G>T (NM_145862.3); c.1102-1028G>T (NM_001438295.1); c.1138-1028G>T (NM_001438294.1); short protein forms K144N, K298N, K365N, K408N, K396N.
Identifiers: ClinVar variation 647019 (VCV000647019.18), dbSNP rs1601726502, ClinGen allele CA411097414.